The following is an entry in ClinVar:

NM_001267550.2(TTN):c.80527T>C (p.Leu26843=)

Genes: TTN (titin; minus strand), TTN-AS1 (TTN antisense RNA 1; plus strand). Cytogenetic location: 2q31.2.
Variant type: single nucleotide variant.
Coding change: c.80527T>C on transcript NM_001267550.2 (MANE Select); coding-DNA position 80527, T replaced by C.
Protein change: p.Leu26843=; no amino-acid change (leucine 26843 retained).
Molecular consequence: synonymous variant.
Genome position (GRCh38, 1-based): chr2:178,565,605, A>G on the plus strand (T>C on the coding strand, the complement: TTN is on the minus strand). VCF-style: chr2-178565605-A-G. GRCh37 (hg19) VCF-style: chr2-179430332-A-G.
Other names: c.75604T>C, p.Leu25202= (NM_001256850.1); c.53332T>C, p.Leu17778= (NM_003319.4); c.72823T>C, p.Leu24275= (NM_133378.4); c.53707T>C, p.Leu17903= (NM_133432.3); c.53908T>C, p.Leu17970= (NM_133437.4).
Identifiers: ClinVar variation 196077 (VCV000196077.23), dbSNP rs142004835, ClinGen allele CA242850.

ClinVar aggregate classification (germline): Conflicting classifications of pathogenicity. Review status: criteria provided, conflicting classifications (1 of 4 stars). 9 submissions from 9 submitters: Uncertain significance (1); Likely benign (8). Last evaluated 2026-01-19.

Conditions:
TTN-related disorder. Also called: TTN-related condition; TTN-related disease; TTN-related disorders.
Cardiovascular phenotype. Identifiers: MedGen CN230736.
Dilated cardiomyopathy 1G (CMD1G). Identifiers: Orphanet 154, MedGen C1858763, MONDO:0011400, OMIM 604145.
Autosomal recessive limb-girdle muscular dystrophy type 2J (LGMDR10). Also called: Limb-girdle muscular dystrophy, type 2J; MUSCULAR DYSTROPHY, LIMB-GIRDLE, AUTOSOMAL RECESSIVE 10. Identifiers: Orphanet 140922, MedGen C1837342, MONDO:0012127, OMIM 608807.
Cardiomyopathy (CMYO). Also called: Cardiomyopathies. Identifiers: Orphanet 167848, MedGen C0878544, MONDO:0004994, HP:0001638. Inheritance: Various modes of inheritance.

Allele frequency attached by ClinVar (database versions not stated): gnomAD 0.00013 and 0.00015; TOPMed 0.00014; 1000 Genomes Project 0.00020; 1000 Genomes Project 30x 0.00031.
gnomAD v4.1: 40 of 1,613,622 alleles (0.0025%); highest among the groups gnomAD compares: African/African-American, 0.036%; no homozygotes.

Submissions (9):

Labcorp Genetics (formerly Invitae), Labcorp
Classification: Likely benign for Dilated cardiomyopathy 1G; Autosomal recessive limb-girdle muscular dystrophy type 2J. Last evaluated: 2026-01-19. Review status: criteria provided, single submitter. Criteria: Invitae Variant Classification Sherloc (09022015). Collection method: clinical testing. Allele origin: germline.

PreventionGenetics, part of Exact Sciences
Classification: Likely benign for TTN-related condition. Last evaluated: 2025-04-26. Review status: criteria provided, single submitter. Criteria: ACMG Guidelines, 2015. Collection method: clinical testing. Allele origin: germline.
Comment: This variant is classified as likely benign based on ACMG/AMP sequence variant interpretation guidelines (Richards et al. 2015 PMID: 25741868, with internal and published modifications).

Molecular Diagnostic Laboratory for Inherited Cardiovascular Disease, Montreal Heart Institute
Classification: Likely benign. Last evaluated: 2025-04-09. Review status: criteria provided, single submitter. Criteria: ACMG Guidelines, 2015. Collection method: clinical testing. Allele origin: germline. Affected: no.
Comment: BP6;BP7

Blueprint Genetics
Classification: Likely benign. Last evaluated: 2024-02-01. Review status: criteria provided, single submitter. Criteria: ACMG Guidelines, 2015. Collection method: clinical testing. Allele origin: germline.

Women's Health and Genetics/Laboratory Corporation of America, LabCorp
Classification: Likely benign. Last evaluated: 2023-10-09. Review status: criteria provided, single submitter. Criteria: LabCorp Variant Classification Summary - May 2015. Collection method: clinical testing. Allele origin: germline.

CHEO Genetics Diagnostic Laboratory, Children's Hospital of Eastern Ontario
Classification: Likely benign for Cardiomyopathy. Last evaluated: 2021-10-13. Review status: criteria provided, single submitter. Criteria: ACMG Guidelines, 2015. Collection method: clinical testing. Allele origin: germline.

Ambry Genetics
Classification: Likely benign for Cardiovascular phenotype. Last evaluated: 2020-04-27. Review status: criteria provided, single submitter. Criteria: Ambry Variant Classification Scheme 2023. Collection method: clinical testing. Allele origin: germline.

GeneDx
Classification: Likely benign. Last evaluated: 2017-12-11. Review status: criteria provided, single submitter. Criteria: GeneDx Variant Classification (06012015). Collection method: clinical testing. Allele origin: germline. Affected: yes.
Comment: This variant is considered likely benign or benign based on one or more of the following criteria: it is a conservative change, it occurs at a poorly conserved position in the protein, it is predicted to be benign by multiple in silico algorithms, and/or has population frequency not consistent with disease.

Eurofins Ntd Llc (ga)
Classification: Uncertain significance. Last evaluated: 2014-12-17. Review status: criteria provided, single submitter. Criteria: EGL Classification Definitions 2015. Collection method: clinical testing. Allele origin: germline. Observed: 1 variant allele, 1 heterozygote.